The following is an entry in ClinVar:

NM_017547.4(FOXRED1):c.471G>A (p.Ser157=)

Gene: FOXRED1 (FAD dependent oxidoreductase domain containing 1; plus strand). Cytogenetic location: 11q24.2.
Variant type: single nucleotide variant.
Coding change: c.471G>A on transcript NM_017547.4 (MANE Select); coding-DNA position 471, G replaced by A.
Protein change: p.Ser157=; no amino-acid change (serine 157 retained).
Molecular consequence: synonymous variant. On other transcripts: non-coding transcript variant (2).
Genome position (GRCh38, 1-based): chr11:126,273,389, G>A. VCF-style: chr11-126273389-G-A. GRCh37 (hg19) VCF-style: chr11-126143284-G-A.
Other names: c.501G>A, p.Ser167= (NM_001425160.1); c.471G>A, p.Ser157= (NM_001425161.1, NM_001425163.1, NM_001425165.1 and 2 more transcripts); c.468G>A, p.Ser156= (NM_001425164.1); c.-40G>A (NM_001425168.1, NM_001425169.1, NM_001425170.1); c.-87G>A (NM_001425171.1, NM_001425172.1); c.-68G>A (NM_001425173.1, NM_001425174.1, NM_001425175.1).
Identifiers: ClinVar variation 2642529 (VCV002642529.27), dbSNP rs142867355, ClinGen allele CA6354099.

ClinVar aggregate classification (germline): Likely benign. Review status: criteria provided, multiple submitters, no conflicts (2 of 4 stars). 2 submissions from 2 submitters: Likely benign (2). Last evaluated 2025-12-29.

Allele frequency attached by ClinVar (database versions not stated): gnomAD 0.00002; TOPMed 0.00003; ESP Exome Variant Server 0.00015.

Submissions (2):

Labcorp Genetics (formerly Invitae), Labcorp
Classification: Likely benign. Last evaluated: 2025-12-29. Review status: criteria provided, single submitter. Criteria: Invitae Variant Classification Sherloc (09022015). Collection method: clinical testing. Allele origin: germline.

CeGaT Center for Human Genetics Tuebingen
Classification: Likely benign. Last evaluated: 2023-03-01. Review status: criteria provided, single submitter. Criteria: CeGaT Center For Human Genetics Tuebingen Variant Classification Criteria Version 2. Collection method: clinical testing. Allele origin: germline. Affected: yes. Observed: 1 variant allele.
Comment: FOXRED1: BP4, BP7